The following is an entry in ClinVar:

NM_001012393.5(OPCML):c.644-23GT[5]

Gene: OPCML (opioid binding protein/cell adhesion molecule like; minus strand). Cytogenetic location: 11q25.
Variant type: Microsatellite.
Coding change: c.644-23GT[5] on transcript NM_001012393.5 (MANE Select); five copies in a row of the 2-base unit GT starting at c.644-23; the reference has seven copies in a row; two copies, 4 bases deleted.
Molecular consequence: intron variant.
Genome position (GRCh38, 1-based): chr11:132,436,789-132,436,792, ACAC deleted on the plus strand (GTGT on the coding strand, the reverse complement: OPCML is on the minus strand); deleting any 4 consecutive bases within chr11:132,436,789-132,436,803 gives the same sequence; the position shown is the placement nearest the transcript's 3' end. VCF-style (leftmost placement, unchanged base first): chr11-132436788-AACAC-A. GRCh37 (hg19) VCF-style: chr11-132306682-AACAC-A.
Other names: c.365-23GT[5] (NM_001319104.4); c.542-23GT[5] (NM_001319105.2); c.662-23GT[5] (NM_001319106.2); c.665-23GT[5] (NM_002545.5, NM_001319103.2).
Identifiers: ClinVar variation 3042855 (VCV003042855.2), dbSNP rs145479085, ClinGen allele CA6367988.

ClinVar aggregate classification (germline): Likely benign (0 of 4 stars; one submission).

Conditions:
OPCML-related disorder. Also called: OPCML-related condition.

Submission:

PreventionGenetics, part of Exact Sciences
Classification: Likely benign for OPCML-related condition. Last evaluated: 2019-06-27. Review status: no assertion criteria provided. Collection method: clinical testing. Allele origin: germline.
Comment: This variant is classified as likely benign based on ACMG/AMP sequence variant interpretation guidelines (Richards et al. 2015 PMID: 25741868, with internal and published modifications).